The following is an entry in ClinVar:

NM_001301159.2(NHLRC4):c.132G>A (p.Thr44=)

Gene: NHLRC4 (NHL repeat containing 4; plus strand). Cytogenetic location: 16p13.3.
Variant type: single nucleotide variant.
Coding change: c.132G>A on transcript NM_001301159.2 (MANE Select); coding-DNA position 132, G replaced by A.
Protein change: p.Thr44=; no amino-acid change (threonine 44 retained).
Molecular consequence: synonymous variant.
Genome position (GRCh38, 1-based): chr16:568,179, G>A. VCF-style: chr16-568179-G-A. GRCh37 (hg19) VCF-style: chr16-618179-G-A.
Other names: c.132G>A, p.Thr44= (NM_176677.3).
Identifiers: ClinVar variation 4533465 (VCV004533465.6).
Genomic context (GRCh38, chr16:568,179, plus strand): 5'-TGGGGATGTGAGGCTGTTTGGCAGTGCCCGCCAACCCCTGGGCTCCCTGGGGGGCTGGAC[G>A]GGGCACACTTTCGGCTGCCCAGCGGGCATCTGCTCCAACTCAGAGGGCAATGTTATTGTG-3'
Protein context (NP_001288088.1, residues 34-54): RQPLGSLGGW[Thr44=]GHTFGCPAGI

ClinVar aggregate classification (germline): Likely benign (1 of 4 stars; one submission).

gnomAD v4.1: 783 of 1,611,456 alleles (0.049%); highest among the groups gnomAD compares: African/African-American, 0.61%; 6 homozygotes.

Submission:

CeGaT Center for Human Genetics Tuebingen
Classification: Likely benign. Last evaluated: 2025-11-01. Review status: criteria provided, single submitter. Criteria: CeGaT Center For Human Genetics Tuebingen Variant Classification Criteria Version 2. Collection method: clinical testing. Allele origin: germline. Affected: yes. Observed: 1 variant allele.
Comment: NHLRC4: BP4, BP7